The following is an entry in ClinVar:

NM_000455.5(STK11):c.508C>G (p.Gln170Glu)

Gene: STK11 (serine/threonine kinase 11; plus strand). Cytogenetic location: 19p13.3.
Variant type: single nucleotide variant.
Coding change: c.508C>G on transcript NM_000455.5 (MANE Select); coding-DNA position 508, C replaced by G.
Protein change: p.Gln170Glu; replaces glutamine 170 with glutamic acid.
Molecular consequence: missense variant.
Genome position (GRCh38, 1-based): chr19:1,220,416, C>G. VCF-style: chr19-1220416-C-G. GRCh37 (hg19) VCF-style: chr19-1220415-C-G.
Other names: short protein forms Q170E.
Identifiers: ClinVar variation 640871 (VCV000640871.9), dbSNP rs121913323, ClinGen allele CA402948924.

ClinVar aggregate classification (germline): Uncertain significance. Review status: criteria provided, multiple submitters, no conflicts (2 of 4 stars). 2 submissions from 2 submitters: Uncertain significance (2). Last evaluated 2026-02-16.

Conditions:
Hereditary cancer-predisposing syndrome. Also called: Neoplastic Syndromes, Hereditary; Hereditary neoplastic syndrome; Tumor predisposition; Hereditary Cancer Syndrome. Identifiers: Orphanet 140162, MedGen C0027672, MeSH D009386, MONDO:0015356.
Peutz-Jeghers syndrome (PJS). Also called: Peutz-Jeghers polyposis; Periorificial lentiginosis syndrome; POLYPOSIS, HAMARTOMATOUS INTESTINAL; POLYPS-AND-SPOTS SYNDROME. Identifiers: Orphanet 2869, MedGen C0031269, MeSH D010580, MONDO:0008280, OMIM 175200.

Allele frequency attached by ClinVar (database versions not stated): gnomAD exomes below 0.00001.
gnomAD v4.1: 5 of 1,605,588 alleles (0.00031%); highest among the groups gnomAD compares: South Asian, 0.0056%; no homozygotes.

Submissions (2):

Ambry Genetics
Classification: Uncertain significance for Hereditary cancer-predisposing syndrome. Last evaluated: 2026-02-16. Review status: criteria provided, single submitter. Criteria: Ambry Variant Classification Scheme 2023. Collection method: clinical testing. Allele origin: germline.
Comment: The p.Q170E variant (also known as c.508C>G), located in coding exon 4 of the STK11 gene, results from a C to G substitution at nucleotide position 508. The glutamine at codon 170 is replaced by glutamic acid, an amino acid with highly similar properties. This amino acid position is highly conserved in available vertebrate species. In addition, the in silico prediction for this alteration is inconclusive. Based on the available evidence, the clinical significance of this variant remains unclear.

Labcorp Genetics (formerly Invitae), Labcorp
Classification: Uncertain significance for Peutz-Jeghers syndrome. Last evaluated: 2020-04-09. Review status: criteria provided, single submitter. Criteria: Invitae Variant Classification Sherloc (09022015). Collection method: clinical testing. Allele origin: germline.
Comment: This sequence change replaces glutamine with glutamic acid at codon 170 of the STK11 protein (p.Gln170Glu). The glutamine residue is highly conserved and there is a small physicochemical difference between glutamine and glutamic acid. This variant is not present in population databases (ExAC no frequency). This variant has not been reported in the literature in individuals with STK11-related disease. Algorithms developed to predict the effect of missense changes on protein structure and function are either unavailable or do not agree on the potential impact of this missense change (SIFT: "Tolerated"; PolyPhen-2: "Possibly Damaging"; Align-GVGD: "Class C0"). In summary, the available evidence is currently insufficient to determine the role of this variant in disease. Therefore, it has been classified as a Variant of Uncertain Significance.